The following is an entry in ClinVar:

NM_024301.5(FKRP):c.845G>C (p.Gly282Ala)

Gene: FKRP (fukutin related protein; plus strand). Cytogenetic location: 19q13.32.
Variant type: single nucleotide variant.
Coding change: c.845G>C on transcript NM_024301.5 (MANE Select); coding-DNA position 845, G replaced by C.
Protein change: p.Gly282Ala; replaces glycine 282 with alanine.
Molecular consequence: missense variant.
Genome position (GRCh38, 1-based): chr19:46,756,295, G>C. VCF-style: chr19-46756295-G-C. GRCh37 (hg19) VCF-style: chr19-47259552-G-C.
Other names: c.845G>C, p.Gly282Ala (NM_001039885.3); short protein forms G282A.
Identifiers: ClinVar variation 1503466 (VCV001503466.10), dbSNP rs775795075, ClinGen allele CA9532204.
Genomic context (GRCh38, chr19:46,756,295, plus strand): 5'-GCGCTCGGCGGGCGGCGCTGCTCCGCGCGCTGGGCATCCGCCTAGTGAGCTGGGAAGGCG[G>C]GCGGCTGGAGTGGTTCGGCTGCAACAAGGAGACCACGCGCTGCTTCGGAACCGTGGTGGG-3'
Protein context (NP_077277.1, residues 272-292): LGIRLVSWEG[Gly282Ala]RLEWFGCNKE

ClinVar aggregate classification (germline): Uncertain significance. Review status: criteria provided, multiple submitters, no conflicts (2 of 4 stars). 4 submissions from 4 submitters: Uncertain significance (4). Last evaluated 2024-12-11.

Conditions:
Cardiovascular phenotype. Identifiers: MedGen CN230736.
Walker-Warburg congenital muscular dystrophy. Also called: Muscular dystrophy-dystroglycanopathy, type A; Walker-Warburg syndrome. Identifiers: Orphanet 899, MedGen C0265221, MONDO:0000171.

Allele frequency attached by ClinVar (database versions not stated): gnomAD exomes 0.00001.
gnomAD v4.1: 11 of 1,534,582 alleles (0.00072%); highest among the groups gnomAD compares: Middle Eastern, 0.13%; no homozygotes.

Submissions (4):

Revvity Omics, Revvity
Classification: Uncertain significance. Last evaluated: 2024-12-11. Review status: criteria provided, single submitter. Criteria: ACMG Guidelines, 2015. Collection method: clinical testing. Allele origin: germline.

Ambry Genetics
Classification: Uncertain significance for Cardiovascular phenotype. Last evaluated: 2024-10-27. Review status: criteria provided, single submitter. Criteria: Ambry Variant Classification Scheme 2023. Collection method: clinical testing. Allele origin: germline.
Comment: The p.G282A variant (also known as c.845G>C), located in coding exon 1 of the FKRP gene, results from a G to C substitution at nucleotide position 845. The glycine at codon 282 is replaced by alanine, an amino acid with similar properties. This amino acid position is highly conserved in available vertebrate species. In addition, the in silico prediction for this alteration is inconclusive. Since supporting evidence is limited at this time, the clinical significance of this alteration remains unclear.

Blueprint Genetics
Classification: Uncertain significance. Last evaluated: 2023-01-11. Review status: criteria provided, single submitter. Criteria: ACMG Guidelines, 2015. Collection method: clinical testing. Allele origin: germline.

Labcorp Genetics (formerly Invitae), Labcorp
Classification: Uncertain significance for Walker-Warburg congenital muscular dystrophy. Last evaluated: 2022-06-12. Review status: criteria provided, single submitter. Criteria: Invitae Variant Classification Sherloc (09022015). Collection method: clinical testing. Allele origin: germline.
Comment: This sequence change replaces glycine, which is neutral and non-polar, with alanine, which is neutral and non-polar, at codon 282 of the FKRP protein (p.Gly282Ala). This variant is present in population databases (rs775795075, gnomAD 0.004%). This variant has not been reported in the literature in individuals affected with FKRP-related conditions. Algorithms developed to predict the effect of missense changes on protein structure and function are either unavailable or do not agree on the potential impact of this missense change (SIFT: "Tolerated"; PolyPhen-2: "Probably Damaging"; Align-GVGD: "Class C0"). In summary, the available evidence is currently insufficient to determine the role of this variant in disease. Therefore, it has been classified as a Variant of Uncertain Significance.